The following is an entry in ClinVar:

NM_001830.4(CLCN4):c.1394C>T (p.Pro465Leu)

Gene: CLCN4 (Cl-/H+ antiporter 4; plus strand). Cytogenetic location: Xp22.2.
Variant type: single nucleotide variant.
Coding change: c.1394C>T on transcript NM_001830.4 (MANE Select); coding-DNA position 1394, C replaced by T.
Protein change: p.Pro465Leu; replaces proline 465 with leucine.
Molecular consequence: missense variant.
Genome position (GRCh38, 1-based): chrX:10,212,471, C>T. VCF-style: chrX-10212471-C-T. GRCh37 (hg19) VCF-style: chrX-10180511-C-T.
Other names: c.1112C>T, p.Pro371Leu (NM_001256944.2); c.1394C>T (NM_001830.3); short protein forms P371L, P465L.
Identifiers: ClinVar variation 1059961 (VCV001059961.11), dbSNP rs2147182592, ClinGen allele CA412040411.

ClinVar aggregate classification (germline): Conflicting classifications of pathogenicity. Review status: criteria provided, conflicting classifications (1 of 4 stars). 3 submissions from 3 submitters: Likely pathogenic (1); Uncertain significance (2). Last evaluated 2026-08-06.

Conditions:
Intellectual disability, X-linked 49 (MRXSRC). Also called: MRX49; CLCN4-Related Neurodevelopmental Disorder; CLCN4-related X-linked intellectual disability syndrome; RAYNAUD-CLAES SYNDROME; MENTAL RETARDATION, X-LINKED 15. Identifiers: Orphanet 485350, Orphanet 777, MedGen C0796221, MONDO:0010250, OMIM 300114.

Submissions (3):

OLLIN Analises Genomicas, OLLIN
Classification: Likely pathogenic for Intellectual disability, X-linked 49. Last evaluated: 2026-08-06. Review status: criteria provided, single submitter. Criteria: ACMG Guidelines 2015 PMID 25741868. Collection method: clinical testing. Allele origin: germline. Inheritance: X-linked inheritance.
Comment: This missense variant, located in exon 10 (of 13), is absent from gnomAD and has not been identified in the literature. However, it has been reported in ClinVar (accession VCV001059961.10). In silico analysis predicts that this variant has a deleterious effect. This gene is constrained for missense variation. According to the currently available evidence, this variant has been classified as likely pathogenic (PM2_P, PM3_P, PP2, PP3_S).

GeneDx
Classification: Uncertain significance. Last evaluated: 2023-11-27. Review status: criteria provided, single submitter. Criteria: GeneDx Variant Classification Process June 2021. Collection method: clinical testing. Allele origin: germline. Affected: yes.
Comment: Not observed at significant frequency in large population cohorts (gnomAD); In silico analysis supports that this missense variant has a deleterious effect on protein structure/function; Has not been previously published as pathogenic or benign to our knowledge

Labcorp Genetics (formerly Invitae), Labcorp
Classification: Uncertain significance. Last evaluated: 2018-05-10. Review status: criteria provided, single submitter. Criteria: Invitae Variant Classification Sherloc (09022015). Collection method: clinical testing. Allele origin: germline.
Comment: In summary, the available evidence is currently insufficient to determine the role of this variant in disease. Therefore, it has been classified as a Variant of Uncertain Significance. Algorithms developed to predict the effect of missense changes on protein structure and function (SIFT, PolyPhen-2, Align-GVGD) all suggest that this variant is likely to be disruptive, but these predictions have not been confirmed by published functional studies and their clinical significance is uncertain. This variant has not been reported in the literature in individuals with CLCN4-related disease. This variant is not present in population databases (ExAC no frequency). This sequence change replaces proline with leucine at codon 465 of the CLCN4 protein (p.Pro465Leu). The proline residue is highly conserved and there is a moderate physicochemical difference between proline and leucine.